The following is an entry in ClinVar:

ClinVar aggregate classification (germline): Uncertain significance (1 of 4 stars; one submission).

Submission:

Greenwood Genetic Center Diagnostic Laboratories, Greenwood Genetic Center
Classification: Uncertain significance. Last evaluated: 2024-05-08. Review status: criteria provided, single submitter. Criteria: ACMG Guidelines, 2015. Collection method: clinical testing. Allele origin: germline. Affected: yes.
Comment: PM2, BP4, PP2

NM_020791.4(TAOK1):c.1525G>A (p.Ala509Thr)

Gene: TAOK1 (TAO kinase 1; plus strand). Cytogenetic location: 17q11.2.
Variant type: single nucleotide variant.
Coding change: c.1525G>A on transcript NM_020791.4 (MANE Select); coding-DNA position 1525, G replaced by A.
Protein change: p.Ala509Thr; replaces alanine 509 with threonine.
Molecular consequence: missense variant.
Genome position (GRCh38, 1-based): chr17:29,508,082, G>A. VCF-style: chr17-29508082-G-A. GRCh37 (hg19) VCF-style: chr17-27835100-G-A.
Other names: c.1525G>A, p.Ala509Thr (NM_025142.1); short protein forms A509T.
Identifiers: ClinVar variation 3338495 (VCV003338495.1).